The following is an entry in ClinVar:

NM_000218.3(KCNQ1):c.914G>C (p.Trp305Ser)

Gene: KCNQ1 (potassium voltage-gated channel subfamily Q member 1; plus strand). Cytogenetic location: 11p15.5.
Variant type: single nucleotide variant.
Coding change: c.914G>C on transcript NM_000218.3 (MANE Select); coding-DNA position 914, G replaced by C.
Protein change: p.Trp305Ser; replaces tryptophan 305 with serine.
Molecular consequence: missense variant.
Genome position (GRCh38, 1-based): chr11:2,572,979, G>C. VCF-style: chr11-2572979-G-C. GRCh37 (hg19) VCF-style: chr11-2594209-G-C.
Other names: p.W305S:TGG>TCG; c.914G>C (LRG_287t1); c.914G>C, p.Trp305Ser (NM_001406836.1); c.644G>C, p.Trp215Ser (NM_001406837.1); c.533G>C, p.Trp178Ser (NM_181798.2); short protein forms W305S, W178S, W215S.
Identifiers: ClinVar variation 3127 (VCV000003127.23), dbSNP rs120074186, ClinGen allele CA008623.

ClinVar aggregate classification (germline): Pathogenic/Likely pathogenic. Review status: criteria provided, multiple submitters, no conflicts (2 of 4 stars). 6 submissions from 6 submitters: Pathogenic (3); Likely pathogenic (1). 2 of the submissions do not count toward it. Last evaluated 2025-07-01.

Conditions:
Cardiovascular phenotype. Identifiers: MedGen CN230736.
Familial long QT syndrome (RWS). Also called: Romano-Ward syndrome; VENTRICULAR FIBRILLATION WITH PROLONGED QT INTERVAL; Congenital long QT syndrome. Identifiers: Orphanet 768, MedGen C1141890, MONDO:0019171.
Long QT syndrome (LQTS). Identifiers: MedGen C0023976, MeSH D008133, MONDO:0002442. Disease mechanism: loss of function. Inheritance: Various modes of inheritance.
Jervell and Lange-Nielsen syndrome 1 (JLNS1). Also called: PROLONGED QT INTERVAL IN EKG AND SUDDEN DEATH; SURDO-CARDIAC SYNDROME; CARDIOAUDITORY SYNDROME OF JERVELL AND LANGE-NIELSEN; DEAFNESS, CONGENITAL, AND FUNCTIONAL HEART DISEASE. Identifiers: Orphanet 768, Orphanet 90647, MedGen C4551509, MONDO:0024540, OMIM 220400.

gnomAD v4.1: 1 of 1,612,826 alleles (0.000062%); highest among the groups gnomAD compares: Non-Finnish European, 0.000085%; no homozygotes.

Submissions (6):

CeGaT Center for Human Genetics Tuebingen
Classification: Likely pathogenic. Last evaluated: 2025-07-01. Review status: criteria provided, single submitter. Criteria: CeGaT Center For Human Genetics Tuebingen Variant Classification Criteria Version 2. Collection method: clinical testing. Allele origin: germline. Affected: yes. Observed: 1 variant allele.
Comment: KCNQ1: PM1, PM2, PM5, PS4:Moderate

Labcorp Genetics (formerly Invitae), Labcorp
Classification: Pathogenic for Long QT syndrome. Last evaluated: 2025-03-11. Review status: criteria provided, single submitter. Criteria: Invitae Variant Classification Sherloc (09022015). Collection method: clinical testing. Allele origin: germline.
Comment: This sequence change replaces tryptophan, which is neutral and slightly polar, with serine, which is neutral and polar, at codon 305 of the KCNQ1 protein (p.Trp305Ser). This variant is present in population databases (rs120074186, gnomAD 0.0009%). This missense change has been observed in individuals with clinical features of long QT syndrome and Jervell and Lange-Nielsen syndrome (PMID: 9781056, 15840476, 19490272, 19716085, 21451124, 22456477, 23139254). It has also been observed to segregate with disease in related individuals. ClinVar contains an entry for this variant (Variation ID: 3127). Invitae Evidence Modeling of protein sequence and biophysical properties (such as structural, functional, and spatial information, amino acid conservation, physicochemical variation, residue mobility, and thermodynamic stability) indicates that this missense variant is expected to disrupt KCNQ1 protein function with a positive predictive value of 95%. Experimental studies have shown that this missense change affects KCNQ1 function (PMID: 9312006, 10090886, 21451124, 26344792). This variant disrupts the p.Trp305 amino acid residue in KCNQ1. Other variant(s) that disrupt this residue have been observed in individuals with KCNQ1-related conditions (PMID: 22949429, 26344792), which suggests that this may be a clinically significant amino acid residue. For these reasons, this variant has been classified as Pathogenic.

GeneDx
Classification: Pathogenic. Last evaluated: 2023-12-13. Review status: criteria provided, single submitter. Criteria: GeneDx Variant Classification Process June 2021. Collection method: clinical testing. Allele origin: germline. Affected: yes.
Comment: Identified in patients with LQTS and JLNS referred for genetic testing at GeneDx and in published literature (PMID: 9020846, 9781056, 15840476, 19490272, 19716085, 22456477, 23158531); Observed in homozygous state in a patient in published literature with JLNS and not observed in homozygous state in controls (PMID: 9781056, 9020846); Published functional studies demonstrate a damaging effect as the W305S variant results in decreased potassium channel current (PMID: 9312006); Not observed at a significant frequency in large population cohorts (gnomAD); In silico analysis supports that this missense variant has a deleterious effect on protein structure/function; This variant is associated with the following publications: (PMID: 19716085, 26344792, 9781056, 34505893, 10973849, 17999538, 15840476, 19490272, 23158531, 21451124, 22456477, 26669661, 32383558, 34076677, 9020846, 9312006)

Ambry Genetics
Classification: Pathogenic for Cardiovascular phenotype. Last evaluated: 2022-03-31. Review status: criteria provided, single submitter. Criteria: Ambry Variant Classification Scheme 2023. Collection method: clinical testing. Allele origin: germline.
Comment: The p.W305S variant (also known as c.914G>C), located in coding exon 6 of the KCNQ1 gene, results from a G to C substitution at nucleotide position 914. The tryptophan at codon 305 is replaced by serine, an amino acid with highly dissimilar properties, and is located in the pore region of the protein. This variant has been reported in individuals and families with long QT syndrome (LQTS), as well as in LQTS clinical genetic testing cohorts; however, individual clinical details were limited (Tester DJ et al. Heart Rhythm, 2005;2:507-17; Jons C et al. Sci Transl Med, 2011 Mar;3:76ra28; Itoh H et al. Eur J Hum Genet, 2016 08;24:1160-6). This alteration was also detected in three homozygous cases, including two siblings and an unrelated proband, with autosomal recessive Jervell and Lange-Nielsen syndrome (Neyroud N et al. Eur. J. Hum. Genet. 1998;6:129-33). In vitro functional analyses suggest that this variant significantly reduces potassium current, although in one study the impact was lessened when the alteration was co-expressed with wildtype KCNQ1 (Chouabe C et al. EMBO J. 1997;16:5472-9; Jons C et al. Sci Transl Med. 2011;3:76ra28). Internal structural analysis indicates that this alteration is moderately disruptive in a sensitive region and more disruptive than a nearby known pathogenic variant (Ambry internal data). In addition, this alteration is predicted to be deleterious by in silico analysis. Based on the supporting evidence, this alteration is interpreted as a disease-causing mutation.

OMIM
Classification: Pathogenic for JERVELL AND LANGE-NIELSEN SYNDROME 1. Last evaluated: 1998-03-01. Review status: no assertion criteria provided. Collection method: literature only. Allele origin: germline. Not counted in ClinVar's aggregate classification.

Cardiovascular Biomedical Research Unit, Royal Brompton & Harefield NHS Foundation Trust
No classification provided. Condition: Familial long QT syndrome. Review status: no classification provided. Collection method: literature only. Allele origin: germline. Not counted in ClinVar's aggregate classification.
Comment: This variant has been reported as associated with Long QT syndrome in the following publications (PMID:9781056;PMID:15840476;PMID:19716085;PMID:9312006;PMID:17999538). This is a literature report, and does not necessarily reflect the clinical interpretation of the Imperial College / Royal Brompton Cardiovascular Genetics laboratory.

Literature cited by the submitters: PubMed 9781056 (cited by 4 submitters); PubMed 15840476 (cited by 3 submitters); PubMed 19490272 (cited by Labcorp Genetics (formerly Invitae), Labcorp and Ambry Genetics); PubMed 19716085 (cited by 3 submitters); PubMed 21451124 (cited by Labcorp Genetics (formerly Invitae), Labcorp and Ambry Genetics); PubMed 22456477 (cited by Labcorp Genetics (formerly Invitae), Labcorp and Ambry Genetics); PubMed 23139254 (cited by Labcorp Genetics (formerly Invitae), Labcorp); PubMed 9312006 (cited by 3 submitters); PubMed 10090886 (cited by Labcorp Genetics (formerly Invitae), Labcorp and Ambry Genetics); PubMed 26344792 (cited by Labcorp Genetics (formerly Invitae), Labcorp and Ambry Genetics); PubMed 22949429 (cited by Labcorp Genetics (formerly Invitae), Labcorp and Ambry Genetics); PubMed 17999538 (cited by Ambry Genetics and Cardiovascular Biomedical Research Unit, Royal Brompton & Harefield NHS Foundation Trust); PubMed 18004376 (cited by Ambry Genetics); PubMed 23158531 (cited by Ambry Genetics); PubMed 26669661 (cited by Ambry Genetics); PubMed 32383558 (cited by Ambry Genetics); PubMed 9020846 (cited by Ambry Genetics); PubMed 22581653 (cited by Cardiovascular Biomedical Research Unit, Royal Brompton & Harefield NHS Foundation Trust).